The following is an entry in ClinVar:

ClinVar aggregate classification (germline): Pathogenic/Likely pathogenic. Review status: criteria provided, multiple submitters, no conflicts (2 of 4 stars). 4 submissions from 4 submitters: Pathogenic (2); Likely pathogenic (1). 1 of the submissions does not count toward it. Last evaluated 2024-10-30.

Conditions:
beta Thalassemia (BTHAL). Also called: Cooley's anemia; Erythroblastic anemia; Mediterranean anemia. Identifiers: Orphanet 848, MedGen C0005283, MONDO:0019402. Disease mechanism: loss of function.

Submissions (4):

GeneDx
Classification: Likely pathogenic. Last evaluated: 2024-10-30. Review status: criteria provided, single submitter. Criteria: GeneDx Variant Classification Process June 2021. Collection method: clinical testing. Allele origin: germline. Affected: yes.
Comment: Frameshift variant predicted to result in abnormal protein length as the last 78 amino acids are replaced with 19 different amino acids, and other similar variants have been reported; Not observed at significant frequency in large population cohorts (gnomAD); Reported along with a second variant in the HBB gene in a patient with beta-thalassemia major in the published literature; however, segregation information was not provided (PMID: 24986053); This variant is associated with the following publications: (PMID: 24986053)

ARUP Laboratories, Molecular Genetics and Genomics, ARUP Laboratories
Classification: Pathogenic. Last evaluated: 2024-03-29. Review status: criteria provided, single submitter. Criteria: ARUP Molecular Germline Variant Investigation Process 2024. Collection method: clinical testing. Allele origin: germline.
Comment: The HBB c.209del; p.Gly70ValfsTer20 variant (also known as Gly69fs when numbered from the mature protein, rs1847557540) reported in the literature in an individual affected with beta-thalassemia major that carried a second beta(0) allele in trans (Kluge 2014). The c.209del variant is absent from the Genome Aggregation Database (v2.1.1), indicating it is not a common polymorphism. This variant causes a frameshift by deleting a single nucleotide, so it is predicted to result in a truncated protein or mRNA subject to nonsense-mediated decay. Based on available information, this variant is considered to be pathogenic. References: Kluge ML et al JL. Beta-Thalassemia major resulting from compound heterozygosity for HBB: c.92+2T>C [formerly known as IVS-I-2 (T>C)] and a novel beta(0)-thalassemia frameshift mutation: HBB: c.209delG; p.Gly70Valfs*20. Hemoglobin. 2014;38(4):292-4. PMID: 24986053.

Mayo Clinic Laboratories, Mayo Clinic
Classification: Pathogenic. Last evaluated: 2019-08-01. Review status: criteria provided, single submitter. Criteria: ACMG Guidelines, 2015. Collection method: clinical testing. Allele origin: germline. Observed: 1 variant allele.
Comment: PVS1, PM1,PP4

The ITHANET community portal, The Cyprus Institute of Neurology and Genetics
Classification: Pathogenic for beta Thalassemia. Last evaluated: 2019-11-25. Review status: no assertion criteria provided. Collection method: curation. Allele origin: germline. Not counted in ClinVar's aggregate classification.

Literature cited by the submitters: PubMed 24986053 (cited by Mayo Clinic Laboratories, Mayo Clinic and The ITHANET community portal, The Cyprus Institute of Neurology and Genetics).

NM_000518.5(HBB):c.209del (p.Gly70fs)

Genes: HBB (hemoglobin subunit beta; minus strand), LOC106099062 (HBB recombination region; plus strand), LOC107133510 (origin of replication at HBB; plus strand). Cytogenetic location: 11p15.4.
Variant type: Deletion.
Coding change: c.209del on transcript NM_000518.5 (MANE Select); coding-DNA position 209, one base deleted (G; older notation c.209delG).
Protein change: p.Gly70fs; shifts the reading frame from glycine 70.
Molecular consequence: frameshift variant.
Genome position (GRCh38, 1-based): chr11:5,226,683, C deleted on the plus strand (G on the coding strand, the reverse complement: HBB is on the minus strand); the first of 2 consecutive C bases (chr11:5,226,683-5,226,684); deleting either gives the same sequence. VCF-style (leftmost placement, unchanged base first): chr11-5226682-AC-A. GRCh37 (hg19) VCF-style: chr11-5247912-AC-A.
Other names: CD 69 GGT>G-T; c.209del (NM_000518.4); short protein forms G70fs.
Identifiers: ClinVar variation 869266 (VCV000869266.8), dbSNP rs1847557540, ClinGen allele CA916083196.
Genomic context (GRCh38, chr11:5,226,682, plus strand): 5'-ACTCAGTGTGGCAAAGGTGCCCTTGAGGTTGTCCAGGTGAGCCAGGCCATCACTAAAGGC[AC>A]CGAGCACTTTCTTGCCATGAGCCTTCACCTTAGGGTTGCCCATAACAGCATCAGGAGTGG-3'